The following is an entry in ClinVar:

NM_032578.4(MYPN):c.729T>G (p.Ser243Arg)

Gene: MYPN (myopalladin; plus strand). Cytogenetic location: 10q21.3.
Variant type: single nucleotide variant.
Coding change: c.729T>G on transcript NM_032578.4 (MANE Select); coding-DNA position 729, T replaced by G.
Protein change: p.Ser243Arg; replaces serine 243 with arginine.
Molecular consequence: missense variant. On other transcripts: 5 prime UTR variant (1), non-coding transcript variant (1).
Genome position (GRCh38, 1-based): chr10:68,122,167, T>G. VCF-style: chr10-68122167-T-G. GRCh37 (hg19) VCF-style: chr10-69881924-T-G.
Other names: p.Ser243Arg; c.729T>G, p.Ser243Arg (NM_001256267.2); c.-394T>G (NM_001256268.2); c.729T>G (NM_032578.3); short protein forms S243R.
Identifiers: ClinVar variation 195390 (VCV000195390.19), dbSNP rs794727304, ClinGen allele CA241811.

ClinVar aggregate classification (germline): Uncertain significance. Review status: criteria provided, multiple submitters, no conflicts (2 of 4 stars). 6 submissions from 6 submitters: Uncertain significance (6). Last evaluated 2024-01-23.

Conditions:
Dilated cardiomyopathy 1KK (CMD1KK). Identifiers: Orphanet 154, Orphanet 75249, MedGen C3714995, MONDO:0014100, OMIM 615248.
Cardiovascular phenotype. Identifiers: MedGen CN230736.
MYPN-related myopathy (CMYO24). Also called: Nemaline myopathy 11, autosomal recessive. Identifiers: MedGen C4479186, MONDO:0015023, OMIM 617336.

Allele frequency attached by ClinVar (database versions not stated): TOPMed below 0.00001.

Submissions (6):

Ambry Genetics
Classification: Uncertain significance for Cardiovascular phenotype. Last evaluated: 2024-01-23. Review status: criteria provided, single submitter. Criteria: Ambry Variant Classification Scheme 2023. Collection method: clinical testing. Allele origin: germline.

Mayo Clinic Laboratories, Mayo Clinic
Classification: Uncertain significance. Last evaluated: 2024-01-10. Review status: criteria provided, single submitter. Criteria: ACMG Guidelines, 2015. Collection method: clinical testing. Allele origin: germline. Observed: 1 variant allele.
Comment: BP4, PM2_moderate

GeneDx
Classification: Uncertain significance. Last evaluated: 2023-10-02. Review status: criteria provided, single submitter. Criteria: GeneDx Variant Classification Process June 2021. Collection method: clinical testing. Allele origin: germline. Affected: yes.
Comment: Has not been previously published as pathogenic or benign to our knowledge; Not observed at significant frequency in large population cohorts (gnomAD); In silico analysis supports that this missense variant does not alter protein structure/function

Fulgent Genetics
Classification: Uncertain significance for Dilated cardiomyopathy 1KK; MYPN-related myopathy. Last evaluated: 2021-10-07. Review status: criteria provided, single submitter. Criteria: ACMG Guidelines, 2015. Collection method: clinical testing. Allele origin: unknown.

Labcorp Genetics (formerly Invitae), Labcorp
Classification: Uncertain significance for Dilated cardiomyopathy 1KK. Last evaluated: 2020-10-18. Review status: criteria provided, single submitter. Criteria: Invitae Variant Classification Sherloc (09022015). Collection method: clinical testing. Allele origin: germline.
Comment: In summary, the available evidence is currently insufficient to determine the role of this variant in disease. Therefore, it has been classified as a Variant of Uncertain Significance. Algorithms developed to predict the effect of missense changes on protein structure and function (SIFT, PolyPhen-2, Align-GVGD) all suggest that this variant is likely to be tolerated, but these predictions have not been confirmed by published functional studies and their clinical significance is uncertain. This variant has not been reported in the literature in individuals with MYPN-related conditions. ClinVar contains an entry for this variant (Variation ID: 195390). This variant is not present in population databases (ExAC no frequency). This sequence change replaces serine with arginine at codon 243 of the MYPN protein (p.Ser243Arg). The serine residue is weakly conserved and there is a moderate physicochemical difference between serine and arginine.

Eurofins Ntd Llc (ga)
Classification: Uncertain significance. Last evaluated: 2015-02-13. Review status: criteria provided, single submitter. Criteria: EGL Classification Definitions 2015. Collection method: clinical testing. Allele origin: germline. Observed: 1 variant allele, 1 heterozygote.